The following is an entry in ClinVar:

NM_007294.4(BRCA1):c.126A>G (p.Ile42Met)

Gene: BRCA1 (BRCA1 DNA repair associated; minus strand). Cytogenetic location: 17q21.31.
Variant type: single nucleotide variant.
Coding change: c.126A>G on transcript NM_007294.4 (MANE Select); coding-DNA position 126, A replaced by G.
Protein change: p.Ile42Met; replaces isoleucine 42 with methionine.
Molecular consequence: missense variant. On other transcripts: non-coding transcript variant (1), intron variant (1).
Genome position (GRCh38, 1-based): chr17:43,115,734, T>C on the plus strand (A>G on the coding strand, the complement: BRCA1 is on the minus strand). VCF-style: chr17-43115734-T-C. GRCh37 (hg19) VCF-style: chr17-41267751-T-C.
Other names: c.-63A>G (NM_001407571.1, NM_001407853.1, NM_001407879.1 and 52 more transcripts); c.126A>G, p.Ile42Met (NM_001407581.1, NM_001407582.1, NM_001407583.1 and 192 more transcripts); c.-132A>G (NM_001407694.1, NM_001407696.1, NM_001407724.1 and 13 more transcripts); c.-136A>G (NM_001407695.1, NM_001408465.1); c.-16A>G (NM_001407697.1, NM_001407725.1, NM_001407728.1 and 47 more transcripts); c.-12A>G (NM_001407841.1); c.-179A>G (NM_001407889.1, NM_001407900.1, NM_001408492.1); c.-178A>G (NM_001407960.1, NM_001407962.1, NM_001408510.1 and 1 more transcripts); and 2 more; short protein forms I42M.
Identifiers: ClinVar variation 867509 (VCV000867509.3), dbSNP rs2055246676, ClinGen allele CA10601906.

Conditions:
Breast-ovarian cancer, familial, susceptibility to, 1 (BROVCA1). Also called: BRCA1 Hereditary Breast and Ovarian Cancer; OVARIAN CANCER, SUSCEPTIBILITY TO. Identifiers: Orphanet 145, MedGen C2676676, MONDO:0011450, OMIM 604370. Disease mechanism: loss of function.

Allele frequency attached by ClinVar (database versions not stated): gnomAD exomes below 0.00001.
gnomAD v4.1: 2 of 1,613,492 alleles (0.00012%); highest among the groups gnomAD compares: Non-Finnish European, 0.00017%; no homozygotes.

Submission:

Brotman Baty Institute, University of Washington
No classification provided (evidence only). Condition: Breast-ovarian cancer, familial 1. Review status: no classification provided. Collection method: in vitro. Allele origin: not applicable. Functional consequence: functionally_normal.
ClinVar note: "not provided" was previously submitted as the classification for the variant. However, the classification appeared to be based only on an observation of functional data so it was converted to no classification on 2025-07-30.